The following is an entry in ClinVar:

NM_020778.5(ALPK3):c.5103C>T (p.Ala1701=)

Gene: ALPK3 (alpha kinase 3; plus strand). Cytogenetic location: 15q25.3.
Variant type: single nucleotide variant.
Coding change: c.5103C>T on transcript NM_020778.5 (MANE Select); coding-DNA position 5103, C replaced by T.
Protein change: p.Ala1701=; no amino-acid change (alanine 1701 retained).
Molecular consequence: synonymous variant.
Genome position (GRCh38, 1-based): chr15:84,868,441, C>T. VCF-style: chr15-84868441-C-T. GRCh37 (hg19) VCF-style: chr15-85411672-C-T.
Identifiers: ClinVar variation 508369 (VCV000508369.2), dbSNP rs527520436, ClinGen allele CA492013533.

ClinVar aggregate classification (germline): Likely benign. Review status: criteria provided, multiple submitters, no conflicts (2 of 4 stars). 2 submissions from 2 submitters: Likely benign (2). Last evaluated 2025-02-18.

Submissions (2):

Labcorp Genetics (formerly Invitae), Labcorp
Classification: Likely benign. Last evaluated: 2025-02-18. Review status: criteria provided, single submitter. Criteria: Invitae Variant Classification Sherloc (09022015). Collection method: clinical testing. Allele origin: germline.

GeneDx
Classification: Likely benign. Last evaluated: 2017-03-22. Review status: criteria provided, single submitter. Criteria: GeneDx Variant Classification (06012015). Collection method: clinical testing. Allele origin: germline. Affected: yes.
Comment: This variant is considered likely benign or benign based on one or more of the following criteria: it is a conservative change, it occurs at a poorly conserved position in the protein, it is predicted to be benign by multiple in silico algorithms, and/or has population frequency not consistent with disease.